The following is an entry in ClinVar:

ClinVar aggregate classification (germline): Likely benign (1 of 4 stars; one submission).

Submission:

CeGaT Center for Human Genetics Tuebingen
Classification: Likely benign. Last evaluated: 2023-06-01. Review status: criteria provided, single submitter. Criteria: CeGaT Center For Human Genetics Tuebingen Variant Classification Criteria Version 2. Collection method: clinical testing. Allele origin: germline. Affected: yes. Observed: 1 variant allele.
Comment: RBMXL3: PM2:Supporting, BP4, BP7

NM_001145346.2(RBMXL3):c.2280C>T (p.Tyr760=)

Genes: LRCH2 (leucine rich repeats and calponin homology domain containing 2; minus strand), RBMXL3 (RBMX like 3; plus strand). Cytogenetic location: Xq23.
Variant type: single nucleotide variant.
Coding change: c.2280C>T on transcript NM_001145346.2 (MANE Select); coding-DNA position 2280, C replaced by T.
Protein change: p.Tyr760=; no amino-acid change (tyrosine 760 retained).
Molecular consequence: synonymous variant. On other transcripts: intron variant (2).
Genome position (GRCh38, 1-based): chrX:115,191,721, C>T. VCF-style: chrX-115191721-C-T. GRCh37 (hg19) VCF-style: chrX-114426284-C-T.
Other names: c.350-3351G>A (NM_001243963.2, NM_020871.4).
Identifiers: ClinVar variation 2661244 (VCV002661244.24), dbSNP rs2521049246, ClinGen allele CA518442891.